The following is an entry in ClinVar:

ClinVar aggregate classification (germline): Uncertain significance (1 of 4 stars; one submission).

Conditions:
Regional enteritis. Also called: Enteritis, Granulomatous. Identifiers: MedGen C0678202, MeSH D003424.
Blau syndrome (BLAUS). Also called: ARTHROCUTANEOUVEAL GRANULOMATOSIS; GRANULOMATOSIS, FAMILIAL JUVENILE SYSTEMIC; GRANULOMATOSIS, FAMILIAL, BLAU TYPE; GRANULOMATOUS INFLAMMATORY ARTHRITIS, DERMATITIS, AND UVEITIS, FAMILIAL; JABS SYNDROME. Identifiers: Orphanet 90340, MedGen C5201146, MONDO:0008523, OMIM 186580.

gnomAD v4.1: 6 of 1,613,822 alleles (0.00037%); highest among the groups gnomAD compares: African/African-American, 0.008%; no homozygotes.

Submission:

Labcorp Genetics (formerly Invitae), Labcorp
Classification: Uncertain significance for Regional enteritis; Blau syndrome. Last evaluated: 2024-10-30. Review status: criteria provided, single submitter. Criteria: Invitae Variant Classification Sherloc (09022015). Collection method: clinical testing. Allele origin: germline.
Comment: This sequence change replaces alanine, which is neutral and non-polar, with valine, which is neutral and non-polar, at codon 730 of the NOD2 protein (p.Ala730Val). This variant is present in population databases (rs375016055, gnomAD 0.02%). This variant has not been reported in the literature in individuals affected with NOD2-related conditions. Invitae Evidence Modeling of protein sequence and biophysical properties (such as structural, functional, and spatial information, amino acid conservation, physicochemical variation, residue mobility, and thermodynamic stability) indicates that this missense variant is not expected to disrupt NOD2 protein function with a negative predictive value of 95%. In summary, the available evidence is currently insufficient to determine the role of this variant in disease. Therefore, it has been classified as a Variant of Uncertain Significance.

NM_001370466.1(NOD2):c.2108C>T (p.Ala703Val)

Gene: NOD2 (nucleotide binding oligomerization domain containing 2; plus strand). Cytogenetic location: 16q12.1.
Variant type: single nucleotide variant.
Coding change: c.2108C>T on transcript NM_001370466.1 (MANE Select); coding-DNA position 2108, C replaced by T.
Protein change: p.Ala703Val; replaces alanine 703 with valine.
Molecular consequence: missense variant. On other transcripts: non-coding transcript variant (1).
Genome position (GRCh38, 1-based): chr16:50,712,100, C>T. VCF-style: chr16-50712100-C-T. GRCh37 (hg19) VCF-style: chr16-50746011-C-T.
Other names: c.2108C>T, p.Ala703Val (NM_001293557.2); c.2189C>T, p.Ala730Val (NM_022162.3); short protein forms A703V, A730V.
Identifiers: ClinVar variation 3762499 (VCV003762499.2).